The following is an entry in ClinVar:

NM_000037.4(ANK1):c.769CTG[2] (p.Leu259del)

Gene: ANK1 (ankyrin 1; minus strand). Cytogenetic location: 8p11.21.
Variant type: Microsatellite.
Coding change: c.769CTG[2] on transcript NM_000037.4 (MANE Select); two copies in a row of the 3-base unit CTG starting at c.769; the reference has three copies in a row; one copy, 3 bases deleted.
Protein change: p.Leu259del; deletes leucine 259.
Molecular consequence: inframe deletion.
Genome position (GRCh38, 1-based): chr8:41,723,568-41,723,570, CAG deleted on the plus strand (CTG on the coding strand, the reverse complement: ANK1 is on the minus strand); deleting any 3 consecutive bases within chr8:41,723,568-41,723,577 gives the same sequence; the position shown is the placement nearest the transcript's 3' end. VCF-style (leftmost placement, unchanged base first): chr8-41723567-CCAG-C. GRCh37 (hg19) VCF-style: chr8-41581085-CCAG-C.
Other names: c.868CTG[2], p.Leu292del (NM_001142446.2); c.769CTG[2], p.Leu259del (NM_020475.3, NM_020476.3, NM_020477.3); short protein forms L259del, L292del.
Identifiers: ClinVar variation 2699753 (VCV002699753.3), dbSNP rs2486966923, ClinGen allele CA2697549881.

ClinVar aggregate classification (germline): Uncertain significance (1 of 4 stars; one submission).

Submission:

Labcorp Genetics (formerly Invitae), Labcorp
Classification: Uncertain significance. Last evaluated: 2023-11-29. Review status: criteria provided, single submitter. Criteria: Invitae Variant Classification Sherloc (09022015). Collection method: clinical testing. Allele origin: germline.
Comment: This variant, c.775_777del, results in the deletion of 1 amino acid(s) of the ANK1 protein (p.Leu259del), but otherwise preserves the integrity of the reading frame. This variant is not present in population databases (gnomAD no frequency). This variant has not been reported in the literature in individuals affected with ANK1-related conditions. Experimental studies and prediction algorithms are not available or were not evaluated, and the functional significance of this variant is currently unknown. In summary, the available evidence is currently insufficient to determine the role of this variant in disease. Therefore, it has been classified as a Variant of Uncertain Significance.